The following is an entry in ClinVar:

NM_000235.4(LIPA):c.611_618del (p.Ala204fs)

Gene: LIPA (lipase A, lysosomal acid type; minus strand). Cytogenetic location: 10q23.31.
Variant type: Deletion.
Coding change: c.611_618del on transcript NM_000235.4 (MANE Select); coding-DNA positions 611 to 618, 8 bases deleted (CTTCCGTC; older notation c.611_618delCTTCCGTC).
Protein change: p.Ala204fs; shifts the reading frame from alanine 204.
Molecular consequence: frameshift variant.
Genome position (GRCh38, 1-based): chr10:89,225,149-89,225,156, GACGGAAG deleted on the plus strand (CTTCCGTC on the coding strand, the reverse complement: LIPA is on the minus strand). VCF-style (leftmost placement, unchanged base first): chr10-89225148-CGACGGAAG-C. GRCh37 (hg19) VCF-style: chr10-90984905-CGACGGAAG-C.
Other names: c.611_618del, p.Ala204fs (NM_001127605.3); c.263_270del, p.Ala88fs (NM_001288979.2); short protein forms A204fs, A88fs.
Identifiers: ClinVar variation 3598503 (VCV003598503.2).
Genomic context (GRCh38, chr10:89,225,148, plus strand): 5'-GTACCTTAATGAGATGATCTGGTAATCGTCCTAATTTGGCCATAGGGCTAGTACAGAAGG[CGACGGAAG>C]CCACAGGACCCAGGGCAAAAAACATTTTAATCCTTTTAGCCAGCTCAGGGATCTGTGAAA-3'

ClinVar aggregate classification (germline): Pathogenic/Likely pathogenic. Review status: criteria provided, multiple submitters, no conflicts (2 of 4 stars). 2 submissions from 2 submitters: Pathogenic (1); Likely pathogenic (1). Last evaluated 2024-03-13.

Conditions:
Lysosomal acid lipase deficiency. Also called: Acid cholesteryl ester hydrolase deficiency, type 2. Identifiers: Orphanet 275761, MedGen C5574740, MONDO:0800449, MONDO:0010204.
Wolman disease (WOLD). Also called: Wolman disease, CESD; Acid cholesteryl ester hydrolase deficiency, Wolman type; Acid lipase disease; LYSOSOMAL ACID LIPASE DEFICIENCY, ACUTE INFANTILE; LYSOSOMAL ACID LIPASE DEFICIENCY, COMPLETE; LIPA DEFICIENCY, COMPLETE. Identifiers: Orphanet 75233, MedGen C0043208, MONDO:0019148, OMIM 620151.
Cholesteryl ester storage disease (CESD). Also called: Childhood/Adult-Onset LAL-D (Cholesterol Ester Storage Disease [CESD]). Identifiers: Orphanet 75234, MedGen C0008384, MONDO:0019149, OMIM 278000.

Submissions (2):

Fulgent Genetics
Classification: Likely pathogenic for Cholesteryl ester storage disease; Wolman disease. Last evaluated: 2024-03-13. Review status: criteria provided, single submitter. Criteria: ACMG Guidelines, 2015. Collection method: clinical testing. Allele origin: germline.

Myriad Genetics, Inc.
Classification: Pathogenic for Lysosomal acid lipase deficiency. Last evaluated: 2023-11-19. Review status: criteria provided, single submitter. Criteria: Myriad Autosomal Dominant, Autosomal Recessive and X-Linked Classification Criteria (2023). Collection method: clinical testing. Allele origin: unknown.
Comment: NM_000235.2(LIPA):c.611_618del8(A204Gfs*5) is expected to be pathogenic in the context of lysosomal acid lipase deficiency. This variant is predicted to lead to an abnormal or absent protein product due to the creation of a premature termination codon in LIPA, a gene where loss-of-function variants are known to be pathogenic. Please note: this variant was assessed in the context of healthy population screening.